The following is an entry in ClinVar:

NM_006231.4(POLE):c.2763C>T (p.Tyr921=)

Gene: POLE (DNA polymerase epsilon, catalytic subunit; minus strand). Cytogenetic location: 12q24.33.
Variant type: single nucleotide variant.
Coding change: c.2763C>T on transcript NM_006231.4 (MANE Select); coding-DNA position 2763, C replaced by T.
Protein change: p.Tyr921=; no amino-acid change (tyrosine 921 retained).
Molecular consequence: synonymous variant.
Genome position (GRCh38, 1-based): chr12:132,661,628, G>A on the plus strand (C>T on the coding strand, the complement: POLE is on the minus strand). VCF-style: chr12-132661628-G-A. GRCh37 (hg19) VCF-style: chr12-133238214-G-A.
Identifiers: ClinVar variation 381928 (VCV000381928.24), dbSNP rs767254003, ClinGen allele CA6893451.

ClinVar aggregate classification (germline): Likely benign. Review status: criteria provided, multiple submitters, no conflicts (2 of 4 stars). 7 submissions from 7 submitters: Likely benign (6). 1 of the submissions does not count toward it. Last evaluated 2026-01-27.

Conditions:
POLE-related disorder. Also called: POLE-related disorders; POLE-related condition.
Hereditary cancer-predisposing syndrome. Also called: Tumor predisposition; Neoplastic Syndromes, Hereditary; Hereditary neoplastic syndrome; Hereditary Cancer Syndrome. Identifiers: Orphanet 140162, MedGen C0027672, MeSH D009386, MONDO:0015356.
Intrauterine growth retardation, metaphyseal dysplasia, adrenal hypoplasia congenita, genital anomalies, and immunodeficiency. Also called: IMAGEI SYNDROME. Identifiers: MedGen C5193036, MONDO:0032684, OMIM 618336.
Facial dysmorphism-immunodeficiency-livedo-short stature syndrome. Also called: Facial dysmorphism, immunodeficiency, livedo, and short stature; FILS syndrome. Identifiers: Orphanet 352712, MedGen C3554576, MONDO:0014058, OMIM 615139.
Colorectal cancer, susceptibility to, 12 (CRCS12). Also called: COLORECTAL CANCER, SUSCEPTIBILITY TO, ON CHROMOSOME 12q24. Identifiers: Orphanet 220460, MedGen C3554460, MONDO:0014038, OMIM 615083.

Allele frequency attached by ClinVar (database versions not stated): TOPMed 0.00002; gnomAD 0.00004 and 0.00005; gnomAD exomes 0.00007; ExAC 0.00009.
gnomAD v4.1: 71 of 1,614,070 alleles (0.0044%); highest among the groups gnomAD compares: South Asian, 0.047%; 2 homozygotes.

Submissions (7):

Labcorp Genetics (formerly Invitae), Labcorp
Classification: Likely benign. Last evaluated: 2026-01-27. Review status: criteria provided, single submitter. Criteria: Invitae Variant Classification Sherloc (09022015). Collection method: clinical testing. Allele origin: germline.

Center for Genomic Medicine, Rigshospitalet, Copenhagen University Hospital
Classification: Likely benign. Last evaluated: 2025-03-04. Review status: criteria provided, single submitter. Criteria: ACMG Guidelines, 2015. Collection method: clinical testing. Allele origin: germline.

Blueprint Genetics
Classification: Likely benign. Last evaluated: 2024-04-08. Review status: criteria provided, single submitter. Criteria: ACMG Guidelines, 2015. Collection method: clinical testing. Allele origin: germline.

GeneDx
Classification: Likely benign. Last evaluated: 2021-04-19. Review status: criteria provided, single submitter. Criteria: GeneDx Variant Classification Process June 2021. Collection method: clinical testing. Allele origin: germline. Affected: yes.

Department of Pathology and Laboratory Medicine, Sinai Health System
Classification: Likely benign for Colorectal cancer, susceptibility to, 12; Facial dysmorphism-immunodeficiency-livedo-short stature syndrome; Intrauterine growth retardation, metaphyseal dysplasia, adrenal hypoplasia congenita, genital anomalies, and immunodeficiency. Last evaluated: 2019-10-04. Review status: criteria provided, single submitter. Criteria: ACMG Guidelines, 2015. Collection method: clinical testing. Allele origin: germline.

Ambry Genetics
Classification: Likely benign for Hereditary cancer-predisposing syndrome. Last evaluated: 2015-10-28. Review status: criteria provided, single submitter. Criteria: Ambry Variant Classification Scheme 2023. Collection method: clinical testing. Allele origin: germline.

PreventionGenetics, part of Exact Sciences
Classification: Likely benign for POLE-related condition. Last evaluated: 2023-02-16. Review status: no assertion criteria provided. Collection method: clinical testing. Allele origin: germline. Not counted in ClinVar's aggregate classification.
Comment: This variant is classified as likely benign based on ACMG/AMP sequence variant interpretation guidelines (Richards et al. 2015 PMID: 25741868, with internal and published modifications).